The following is an entry in ClinVar:

NM_002473.6(MYH9):c.216C>G (p.Ile72Met)

Gene: MYH9 (myosin heavy chain 9; minus strand). Cytogenetic location: 22q12.3.
Variant type: single nucleotide variant.
Coding change: c.216C>G on transcript NM_002473.6 (MANE Select); coding-DNA position 216, C replaced by G.
Protein change: p.Ile72Met; replaces isoleucine 72 with methionine.
Molecular consequence: missense variant.
Genome position (GRCh38, 1-based): chr22:36,349,021, G>C on the plus strand (C>G on the coding strand, the complement: MYH9 is on the minus strand). VCF-style: chr22-36349021-G-C. GRCh37 (hg19) VCF-style: chr22-36745066-G-C.
Other names: short protein forms I72M.
Identifiers: ClinVar variation 3894564 (VCV003894564.1).

ClinVar aggregate classification (germline): Uncertain significance (1 of 4 stars; one submission).

Conditions:
Macrothrombocytopenia and granulocyte inclusions with or without nephritis or sensorineural hearing loss (MATINS). Also called: DOHLE LEUKOCYTE INCLUSIONS WITH GIANT PLATELETS; BLEEDING DISORDER, PLATELET-TYPE, 6; MAY-HEGGLIN ANOMALY; SEBASTIAN PLATELET SYNDROME; MACROTHROMBOCYTOPENIA WITH DISPERSED LEUKOCYTIC INCLUSIONS; MACROTHROMBOCYTOPENIA, NEPHRITIS, AND DEAFNESS. Identifiers: Orphanet 182050, MedGen C5200934, MONDO:0015912, OMIM 155100.

Submission:

MVZ Medizinische Genetik Mainz
Classification: Uncertain significance for Macrothrombocytopenia and granulocyte inclusions with or without nephritis or sensorineural hearing loss. Last evaluated: 2025-04-01. Review status: criteria provided, single submitter. Criteria: UK Practice Guidelines For Variant Classification V4 01 2020. Collection method: clinical testing. Allele origin: germline. Inheritance: Autosomal dominant inheritance. Affected: yes. Observed: 1 variant allele.
Comment: ACMG Criteria: PM1,PM2_SUP,PP2